The following is an entry in ClinVar:

ClinVar aggregate classification (germline): Benign. Review status: criteria provided, single submitter (1 of 4 stars). 2 submissions from 1 submitter: Benign (1). 1 of the submissions does not count toward it. Last evaluated 2022-12-06.

Conditions:
Sotos syndrome (SOTOS). Also called: CHROMOSOME 5q35 DELETION SYNDROME; CEREBRAL GIGANTISM; Sotos' syndrome; SOTOS SYNDROME 1; Distinctive facial appearance, overgrowth in childhood, and learning disabilities or delayed development. Identifiers: Orphanet 821, MedGen C0175695, MONDO:0019349, OMIM 117550.

Allele frequency attached by ClinVar (database versions not stated): gnomAD 0.00001.
gnomAD v4.1: 1 of 1,614,034 alleles (0.000062%); highest among the groups gnomAD compares: African/African-American, 0.0013%; no homozygotes.

Submissions (2):

Labcorp Genetics (formerly Invitae), Labcorp
Classification: Benign. Last evaluated: 2022-12-06. Review status: criteria provided, single submitter. Criteria: Invitae Variant Classification Sherloc (09022015). Collection method: clinical testing. Allele origin: germline.

Labcorp Genetics (formerly Invitae), Labcorp
Classification: Uncertain significance. Last evaluated: 2021-08-31. Review status: flagged submission. Criteria: Invitae Variant Classification Sherloc (09022015). Collection method: clinical testing. Allele origin: germline. Not counted in ClinVar's aggregate classification.
Comment: This sequence change replaces aspartic acid with glycine at codon 2460 of the NSD1 protein (p.Asp2460Gly). The aspartic acid residue is moderately conserved and there is a moderate physicochemical difference between aspartic acid and glycine. This variant is not present in population databases (ExAC no frequency). This variant has not been reported in the literature in individuals affected with NSD1-related conditions. Algorithms developed to predict the effect of missense changes on protein structure and function are either unavailable or do not agree on the potential impact of this missense change (SIFT: "Tolerated"; PolyPhen-2: "Possibly Damaging"; Align-GVGD: "Class C0"). In summary, the available evidence is currently insufficient to determine the role of this variant in disease. Therefore, it has been classified as a Variant of Uncertain Significance.
ClinVar note: Reason: This record appears to be redundant with a more recent record from the same submitter.
ClinVar note: Notes: SCV001493823 appears to be redundant with SCV000830898.

NM_022455.5(NSD1):c.7379A>G (p.Asp2460Gly)

Gene: NSD1 (nuclear receptor binding SET domain protein 1; plus strand). Cytogenetic location: 5q35.3.
Variant type: single nucleotide variant.
Coding change: c.7379A>G on transcript NM_022455.5 (MANE Select); coding-DNA position 7379, A replaced by G.
Protein change: p.Asp2460Gly; replaces aspartic acid 2460 with glycine.
Molecular consequence: missense variant.
Genome position (GRCh38, 1-based): chr5:177,294,747, A>G. VCF-style: chr5-177294747-A-G. GRCh37 (hg19) VCF-style: chr5-176721748-A-G.
Other names: c.6506A>G, p.Asp2169Gly (NM_172349.5, NM_001365684.2, NM_001409308.1); c.7379A>G, p.Asp2460Gly (NM_001409301.1, NM_001409302.1, NM_001409303.1); c.6959A>G, p.Asp2320Gly (NM_001409304.1); c.6626A>G, p.Asp2209Gly (NM_001409305.1); c.6617A>G, p.Asp2206Gly (NM_001409306.1, NM_001409307.1); c.6257A>G, p.Asp2086Gly (NM_001409309.1); short protein forms D2460G, D2191G, D2320G, D2206G, D2169G, D2209G, D2086G.
Identifiers: ClinVar variation 578917 (VCV000578917.9), dbSNP rs1406542990, ClinGen allele CA362329749.